The following is an entry in ClinVar:

ClinVar aggregate classification (germline): Pathogenic (1 of 4 stars; one submission).

Submission:

Labcorp Genetics (formerly Invitae), Labcorp
Classification: Pathogenic. Last evaluated: 2022-03-04. Review status: criteria provided, single submitter. Criteria: Invitae Variant Classification Sherloc (09022015). Collection method: clinical testing. Allele origin: germline.
Comment: This sequence change creates a premature translational stop signal (p.Tyr546*) in the TMPRSS15 gene. It is expected to result in an absent or disrupted protein product. Loss-of-function variants in TMPRSS15 are known to be pathogenic (PMID: 11719902). This variant is not present in population databases (gnomAD no frequency). This variant has not been reported in the literature in individuals affected with TMPRSS15-related conditions. For these reasons, this variant has been classified as Pathogenic.

Literature cited by the submitters: PubMed 11719902.

NM_002772.3(TMPRSS15):c.1638C>G (p.Tyr546Ter)

Gene: TMPRSS15 (transmembrane serine protease 15; minus strand). Cytogenetic location: 21q21.1.
Variant type: single nucleotide variant.
Coding change: c.1638C>G on transcript NM_002772.3 (MANE Select); coding-DNA position 1638, C replaced by G.
Protein change: p.Tyr546Ter; replaces tyrosine 546 with a stop codon.
Molecular consequence: nonsense.
Genome position (GRCh38, 1-based): chr21:18,332,100, G>C on the plus strand (C>G on the coding strand, the complement: TMPRSS15 is on the minus strand). VCF-style: chr21-18332100-G-C. GRCh37 (hg19) VCF-style: chr21-19704417-G-C.
Other names: short protein forms Y546*.
Identifiers: ClinVar variation 2106466 (VCV002106466.4), dbSNP rs2516670592, ClinGen allele CA409850137.